The following is an entry in ClinVar:

NM_005055.5(RAPSN):c.38G>A (p.Gly13Glu)

Gene: RAPSN (receptor associated protein of the synapse; minus strand). Cytogenetic location: 11p11.2.
Variant type: single nucleotide variant.
Coding change: c.38G>A on transcript NM_005055.5 (MANE Select); coding-DNA position 38, G replaced by A.
Protein change: p.Gly13Glu; replaces glycine 13 with glutamic acid.
Molecular consequence: missense variant.
Genome position (GRCh38, 1-based): chr11:47,448,927, C>T on the plus strand (G>A on the coding strand, the complement: RAPSN is on the minus strand). VCF-style: chr11-47448927-C-T. GRCh37 (hg19) VCF-style: chr11-47470479-C-T.
Other names: c.38G>A, p.Gly13Glu (NM_032645.5); short protein forms G13E.
Identifiers: ClinVar variation 3768128 (VCV003768128.1).

ClinVar aggregate classification (germline): Uncertain significance (1 of 4 stars; one submission).

Submission:

Women's Health and Genetics/Laboratory Corporation of America, LabCorp
Classification: Uncertain significance. Last evaluated: 2024-12-27. Review status: criteria provided, single submitter. Criteria: LabCorp Variant Classification Summary - May 2015. Collection method: clinical testing. Allele origin: germline.
Comment: Variant summary: RAPSN c.38G>A (p.Gly13Glu) results in a non-conservative amino acid change in the encoded protein sequence. Five of five in-silico tools predict a damaging effect of the variant on protein function. The variant was absent in 251476 control chromosomes. The available data on variant occurrences in the general population are insufficient to allow any conclusion about variant significance. c.38G>A has been reported in the literature in a compound heterozygous individual affected with Congenital Myasthenic Syndrome (Smeets_2024). These data do not allow any conclusion about variant significance. To our knowledge, no experimental evidence demonstrating an impact on protein function has been reported. The following publications have been ascertained in the context of this evaluation (PMID: 38964204, 32528171). No submitters have cited clinical-significance assessments for this variant to ClinVar. Based on the evidence outlined above, the variant was classified as uncertain significance.

Literature cited by the submitters: PubMed 32528171; PubMed 38964204.